The following is an entry in ClinVar:

ClinVar aggregate classification (germline): Uncertain significance (1 of 4 stars; one submission).

gnomAD v4.1: 43 of 1,612,412 alleles (0.0027%); highest among the groups gnomAD compares: Middle Eastern, 0.016%; no homozygotes.

Submission:

Labcorp Genetics (formerly Invitae), Labcorp
Classification: Uncertain significance. Last evaluated: 2025-06-12. Review status: criteria provided, single submitter. Criteria: Invitae Variant Classification Sherloc (09022015). Collection method: clinical testing. Allele origin: germline.
Comment: This sequence change replaces tyrosine, which is neutral and polar, with cysteine, which is neutral and slightly polar, at codon 2226 of the ZDBF2 protein (p.Tyr2226Cys). This variant is present in population databases (rs771325996, gnomAD 0.006%). This variant has not been reported in the literature in individuals affected with ZDBF2-related conditions. ClinVar contains an entry for this variant (Variation ID: 3665426). An algorithm developed to predict the effect of missense changes on protein structure and function (PolyPhen-2) suggests that this variant is likely to be disruptive. In summary, the available evidence is currently insufficient to determine the role of this variant in disease. Therefore, it has been classified as a Variant of Uncertain Significance.

NM_020923.3(ZDBF2):c.6677A>G (p.Tyr2226Cys)

Gene: ZDBF2 (zinc finger DBF-type containing 2; plus strand). Cytogenetic location: 2q33.3.
Variant type: single nucleotide variant.
Coding change: c.6677A>G on transcript NM_020923.3 (MANE Select); coding-DNA position 6677, A replaced by G.
Protein change: p.Tyr2226Cys; replaces tyrosine 2226 with cysteine.
Molecular consequence: missense variant.
Genome position (GRCh38, 1-based): chr2:206,311,205, A>G. VCF-style: chr2-206311205-A-G. GRCh37 (hg19) VCF-style: chr2-207175929-A-G.
Other names: c.6671A>G, p.Tyr2224Cys (NM_001285549.2); c.6677A>G, p.Tyr2226Cys (NM_001369654.1); short protein forms Y2226C, Y2224C.
Identifiers: ClinVar variation 3665426 (VCV003665426.2).